The following is an entry in ClinVar:

NM_001364905.1(LRBA):c.2492A>G (p.Gln831Arg)

Gene: LRBA (LPS responsive beige-like anchor protein; minus strand). Cytogenetic location: 4q31.3.
Variant type: single nucleotide variant.
Coding change: c.2492A>G on transcript NM_001364905.1 (MANE Select); coding-DNA position 2492, A replaced by G.
Protein change: p.Gln831Arg; replaces glutamine 831 with arginine.
Molecular consequence: missense variant.
Genome position (GRCh38, 1-based): chr4:150,868,263, T>C on the plus strand (A>G on the coding strand, the complement: LRBA is on the minus strand). VCF-style: chr4-150868263-T-C. GRCh37 (hg19) VCF-style: chr4-151789415-T-C.
Other names: c.2492A>G, p.Gln831Arg (NM_001199282.3, NM_001367550.1, NM_006726.5); short protein forms Q831R.
Identifiers: ClinVar variation 1004117 (VCV001004117.10), dbSNP rs745759999, ClinGen allele CA3103223.

ClinVar aggregate classification (germline): Uncertain significance. Review status: criteria provided, multiple submitters, no conflicts (2 of 4 stars). 3 submissions from 3 submitters: Uncertain significance (3). Last evaluated 2025-02-25.

Conditions:
Inborn genetic diseases. Identifiers: MedGen C0950123, MeSH D030342.
Combined immunodeficiency due to LRBA deficiency. Also called: Common variable immunodeficiency 8, with autoimmunity. Identifiers: Orphanet 445018, MedGen C3553512, MONDO:0013863, OMIM 614700.

Allele frequency attached by ClinVar (database versions not stated): gnomAD 0.00001; gnomAD exomes 0.00001 and 0.00002; TOPMed 0.00001; ExAC 0.00002.
gnomAD v4.1: 19 of 1,612,476 alleles (0.0012%); highest among the groups gnomAD compares: Middle Eastern, 0.033%; no homozygotes.

Submissions (3):

Ambry Genetics
Classification: Uncertain significance for Inborn genetic diseases. Last evaluated: 2025-02-25. Review status: criteria provided, single submitter. Criteria: Ambry Variant Classification Scheme 2023. Collection method: clinical testing. Allele origin: germline.

Blueprint Genetics
Classification: Uncertain significance. Last evaluated: 2024-03-27. Review status: criteria provided, single submitter. Criteria: ACMG Guidelines, 2015. Collection method: clinical testing. Allele origin: germline.

Labcorp Genetics (formerly Invitae), Labcorp
Classification: Uncertain significance for Combined immunodeficiency due to LRBA deficiency. Last evaluated: 2020-08-30. Review status: criteria provided, single submitter. Criteria: Invitae Variant Classification Sherloc (09022015). Collection method: clinical testing. Allele origin: germline.
Comment: In summary, the available evidence is currently insufficient to determine the role of this variant in disease. Therefore, it has been classified as a Variant of Uncertain Significance. Algorithms developed to predict the effect of missense changes on protein structure and function are either unavailable or do not agree on the potential impact of this missense change (SIFT: "Deleterious"; PolyPhen-2: "Benign"; Align-GVGD: "Class C0"). This variant has not been reported in the literature in individuals with LRBA-related conditions. This variant is present in population databases (rs745759999, ExAC 0.01%). This sequence change replaces glutamine with arginine at codon 831 of the LRBA protein (p.Gln831Arg). The glutamine residue is weakly conserved and there is a small physicochemical difference between glutamine and arginine.